The following is an entry in ClinVar:

NM_000059.4(BRCA2):c.5602G>T (p.Asp1868Tyr)

Gene: BRCA2 (BRCA2 DNA repair associated; plus strand). Cytogenetic location: 13q13.1.
Variant type: single nucleotide variant.
Coding change: c.5602G>T on transcript NM_000059.4 (MANE Select); coding-DNA position 5602, G replaced by T.
Protein change: p.Asp1868Tyr; replaces aspartic acid 1868 with tyrosine.
Molecular consequence: missense variant.
Genome position (GRCh38, 1-based): chr13:32,339,957, G>T. VCF-style: chr13-32339957-G-T. GRCh37 (hg19) VCF-style: chr13-32914094-G-T.
Other names: short protein forms D1868Y.
Identifiers: ClinVar variation 51889 (VCV000051889.20), dbSNP rs80358781, ClinGen allele CA022683.

ClinVar aggregate classification (germline): Conflicting classifications of pathogenicity. Review status: criteria provided, conflicting classifications (1 of 4 stars). 5 submissions from 5 submitters: Uncertain significance (3); Likely benign (1). 1 of the submissions does not count toward it. Last evaluated 2025-06-20.

Conditions:
Hereditary breast ovarian cancer syndrome. Also called: Hereditary breast and ovarian cancer syndrome; Hereditary breast and ovarian cancer; Hereditary breast and ovarian cancer syndrome (HBOC); Breast and ovarian cancer; Hereditary breast and/or ovarian cancer syndrome; BRCA1- and BRCA2-Associated Hereditary Breast and Ovarian Cancer. Identifiers: Orphanet 145, MedGen C0677776, MeSH D061325, MONDO:0003582. Disease mechanism: loss of function.
Hereditary cancer-predisposing syndrome. Also called: Neoplastic Syndromes, Hereditary; Tumor predisposition; Hereditary neoplastic syndrome; Hereditary Cancer Syndrome. Identifiers: Orphanet 140162, MedGen C0027672, MeSH D009386, MONDO:0015356.
Breast-ovarian cancer, familial, susceptibility to, 2 (BROVCA2). Also called: BRCA2 Hereditary Breast and Ovarian Cancer. Identifiers: Orphanet 145, MedGen C2675520, MONDO:0012933, OMIM 612555. Disease mechanism: loss of function.

Allele frequency attached by ClinVar (database versions not stated): gnomAD exomes below 0.00001.
gnomAD v4.1: 1 of 1,609,578 alleles (0.000062%); highest among the groups gnomAD compares: Non-Finnish European, 0.000085%; no homozygotes.

Submissions (5):

Labcorp Genetics (formerly Invitae), Labcorp
Classification: Uncertain significance for Hereditary breast ovarian cancer syndrome. Last evaluated: 2025-06-20. Review status: criteria provided, single submitter. Criteria: Invitae Variant Classification Sherloc (09022015). Collection method: clinical testing. Allele origin: germline.
Comment: This sequence change replaces aspartic acid, which is acidic and polar, with tyrosine, which is neutral and polar, at codon 1868 of the BRCA2 protein (p.Asp1868Tyr). This variant is not present in population databases (gnomAD no frequency). This missense change has been observed in individual(s) with breast and/or ovarian cancer (PMID: 27062684). ClinVar contains an entry for this variant (Variation ID: 51889). Invitae Evidence Modeling of protein sequence and biophysical properties (such as structural, functional, and spatial information, amino acid conservation, physicochemical variation, residue mobility, and thermodynamic stability) indicates that this missense variant is not expected to disrupt BRCA2 protein function with a negative predictive value of 95%. In summary, the available evidence is currently insufficient to determine the role of this variant in disease. Therefore, it has been classified as a Variant of Uncertain Significance.

Ambry Genetics
Classification: Uncertain significance for Hereditary cancer-predisposing syndrome. Last evaluated: 2024-05-29. Review status: criteria provided, single submitter. Criteria: Ambry Variant Classification Scheme 2023. Collection method: clinical testing. Allele origin: germline.
Comment: The p.D1868Y variant (also known as c.5602G>T), located in coding exon 10 of the BRCA2 gene, results from a G to T substitution at nucleotide position 5602. The aspartic acid at codon 1868 is replaced by tyrosine, an amino acid with highly dissimilar properties. In a study of 1854 high-risk BR/OV cancer families in Italy, this alteration was detected in 1 family (Azzollini J et al. Eur J Intern Med, 2016 Jul;32:65-71). This amino acid position is not well conserved in available vertebrate species. In addition, the in silico prediction for this alteration is inconclusive. Based on the available evidence, the clinical significance of this variant remains unclear.

All of Us Research Program, National Institutes of Health
Classification: Uncertain significance for Breast-ovarian cancer, familial, susceptibility to, 2. Last evaluated: 2023-07-10. Review status: criteria provided, single submitter. Criteria: ACMG Guidelines, 2015. Collection method: clinical testing. Allele origin: germline. Inheritance: Autosomal dominant inheritance. Observed: 1 variant allele, 1 heterozygote.
Comment: This missense variant replaces aspartic acid with tyrosine at codon 1868 of the BRCA2 protein. Computational prediction suggests that this variant may not impact protein structure and function (internally defined REVEL score threshold <= 0.5, PMID: 27666373). To our knowledge, functional studies have not been reported for this variant. This variant has been reported in 1 individual with a personal and/or family history of breast or ovarian cancer, this individual also carried a pathogenic variant in BRCA1 or BRCA2 that could explain the observed phenotype (PMID: 27062684). This variant has not been identified in the general population by the Genome Aggregation Database (gnomAD). The available evidence is insufficient to determine the role of this variant in disease conclusively. Therefore, this variant is classified as a Variant of Uncertain Significance.

This study involves interpretation of variants in research participants for the purpose of population health screening. Participant phenotype was not available at the time of variant classification. Additional details can be found in publication PMID: 35346344, PMCID: PMC8962531

University of Washington Department of Laboratory Medicine, University of Washington
Classification: Likely benign for Hereditary cancer-predisposing syndrome. Last evaluated: 2023-03-23. Review status: criteria provided, single submitter. Criteria: Dines et al. (Genet Med. 2020). Collection method: curation. Allele origin: germline.
Comment: Missense variant in a coldspot region where missense variants are very unlikely to be pathogenic (PMID:31911673).

BRCA2 exon 11 coldspot. Reclassification based on statistical prior probability.

Breast Cancer Information Core (BIC) (BRCA2)
Classification: Uncertain significance for Breast-ovarian cancer, familial 2. Last evaluated: 2002-05-29. Review status: no assertion criteria provided. Collection method: clinical testing. Allele origin: germline. Affected: yes. Observed: 2 variant alleles. Not counted in ClinVar's aggregate classification.

Literature cited by the submitters: PubMed 27062684 (cited by 3 submitters).